The following is an entry in ClinVar:

NM_001375808.2(LPIN2):c.959C>T (p.Thr320Ile)

Gene: LPIN2 (lipin 2; minus strand). Cytogenetic location: 18p11.31.
Variant type: single nucleotide variant.
Coding change: c.959C>T on transcript NM_001375808.2 (MANE Select); coding-DNA position 959, C replaced by T.
Protein change: p.Thr320Ile; replaces threonine 320 with isoleucine.
Molecular consequence: missense variant.
Genome position (GRCh38, 1-based): chr18:2,937,901, G>A on the plus strand (C>T on the coding strand, the complement: LPIN2 is on the minus strand). VCF-style: chr18-2937901-G-A. GRCh37 (hg19) VCF-style: chr18-2937899-G-A.
Other names: c.959C>T, p.Thr320Ile (NM_001375809.1, NM_014646.2); short protein forms T320I.
Identifiers: ClinVar variation 234843 (VCV000234843.4), dbSNP rs150648432, ClinGen allele CA8873240.

ClinVar aggregate classification (germline): Uncertain significance. Review status: criteria provided, multiple submitters, no conflicts (2 of 4 stars). 3 submissions from 3 submitters: Uncertain significance (3). Last evaluated 2024-11-13.

Conditions:
Majeed syndrome (MJDS). Also called: LPIN2-Related Majeed Syndrome; CHRONIC RECURRENT MULTIFOCAL OSTEOMYELITIS 1, WITH CONGENITAL DYSERYTHROPOIETIC ANEMIA, WITH OR WITHOUT NEUTROPHILIC DERMATOSIS. Identifiers: Orphanet 77297, MedGen C1864997, MONDO:0012316, OMIM 609628.

Allele frequency attached by ClinVar (database versions not stated): gnomAD exomes 0.00001 and 0.00002; ExAC 0.00002; gnomAD 0.00003 and 0.00004; TOPMed 0.00006; ESP Exome Variant Server 0.00023.
gnomAD v4.1: 14 of 1,614,044 alleles (0.00087%); highest among the groups gnomAD compares: African/African-American, 0.011%; no homozygotes.

Submissions (3):

Revvity Omics, Revvity
Classification: Uncertain significance for Majeed syndrome. Last evaluated: 2024-11-13. Review status: criteria provided, single submitter. Criteria: ACMG Guidelines, 2015. Collection method: clinical testing. Allele origin: germline.

Center for Genomics, Ann and Robert H. Lurie Children's Hospital of Chicago
Classification: Uncertain significance for Majeed syndrome. Last evaluated: 2022-06-03. Review status: criteria provided, single submitter. Criteria: ACMG Guidelines, 2015. Collection method: clinical testing. Allele origin: germline.
Comment: This variant has not been reported in the literature but is present in the Genome Aggregation Database (Highest reported MAF 0.009% (4/41442). This variant is present in ClinVar (Variation ID:234843). Evolutionary conservation and computational predictive tools suggest that this variant may not impact the protein. In summary, data on this variant is insufficient for disease classification. Therefore, the clinical significance of this variant is uncertain.

GeneDx
Classification: Uncertain significance. Last evaluated: 2016-02-19. Review status: criteria provided, single submitter. Criteria: GeneDx Variant Classification (06012015). Collection method: clinical testing. Allele origin: germline. Affected: yes.
Comment: The T320I variant has not been published as a pathogenic variant, nor has it been reported as a benign variant to our knowledge. The NHLBI Exome Sequencing Project reports T320I was observed in 3/4406 (0.07%) alleles from individuals of African American background, indicating it may be a rare variant in this population. The T320I variant is a non-conservative amino acid substitution, which is likely to impact secondary protein structure as these residues differ in polarity, charge, size and/or other properties. This substitution occurs at a position that is not conserved. In silico analysis is inconsistent in its predictions as to whether or not the variant is damaging to the protein structure/function. Therefore, based on the currently available information, it is unclear whether this variant is a pathogenic variant or a rare benign variant.